The following is an entry in ClinVar:

ClinVar aggregate classification (germline): Likely benign. Review status: criteria provided, multiple submitters, no conflicts (2 of 4 stars). 3 submissions from 3 submitters: Likely benign (3). Last evaluated 2024-10-14.

Conditions:
Nemaline myopathy 8 (NEM8). Also called: Nemaline myopathy 8, autosomal recessive. Identifiers: Orphanet 171430, MedGen C3809209, MONDO:0014138, OMIM 615348.

Allele frequency attached by ClinVar (database versions not stated): 1000 Genomes Project 30x 0.00016; gnomAD 0.00019 and 0.00021; 1000 Genomes Project 0.00020; TOPMed 0.00022; ESP Exome Variant Server 0.00023; gnomAD exomes 0.00023 and 0.00024; ExAC 0.00028.

Submissions (3):

Blueprint Genetics
Classification: Likely benign. Last evaluated: 2024-10-14. Review status: criteria provided, single submitter. Criteria: ACMG Guidelines, 2015. Collection method: clinical testing. Allele origin: germline.

CeGaT Center for Human Genetics Tuebingen
Classification: Likely benign. Last evaluated: 2023-01-01. Review status: criteria provided, single submitter. Criteria: CeGaT Center For Human Genetics Tuebingen Variant Classification Criteria Version 2. Collection method: clinical testing. Allele origin: germline. Affected: yes. Observed: 1 variant allele.
Comment: KLHL40: BP4, BP7

Labcorp Genetics (formerly Invitae), Labcorp
Classification: Likely benign for Nemaline myopathy 8. Last evaluated: 2019-12-31. Review status: criteria provided, single submitter. Criteria: Invitae Variant Classification Sherloc (09022015). Collection method: clinical testing. Allele origin: germline.

NM_152393.4(KLHL40):c.1848G>A (p.Leu616=)

Gene: KLHL40 (kelch like family member 40; plus strand). Cytogenetic location: 3p22.1.
Variant type: single nucleotide variant.
Coding change: c.1848G>A on transcript NM_152393.4 (MANE Select); coding-DNA position 1848, G replaced by A.
Protein change: p.Leu616=; no amino-acid change (leucine 616 retained).
Molecular consequence: synonymous variant.
Genome position (GRCh38, 1-based): chr3:42,691,975, G>A. VCF-style: chr3-42691975-G-A. GRCh37 (hg19) VCF-style: chr3-42733467-G-A.
Identifiers: ClinVar variation 717284 (VCV000717284.29), dbSNP rs141654883, ClinGen allele CA2337115.